The following is an entry in ClinVar:

NM_020706.2(SCAF4):c.1500G>A (p.Pro500=)

Gene: SCAF4 (SR-related CTD associated factor 4; minus strand). Cytogenetic location: 21q22.11.
Variant type: single nucleotide variant.
Coding change: c.1500G>A on transcript NM_020706.2 (MANE Select); coding-DNA position 1500, G replaced by A.
Protein change: p.Pro500=; no amino-acid change (proline 500 retained).
Molecular consequence: synonymous variant.
Genome position (GRCh38, 1-based): chr21:31,693,307, C>T on the plus strand (G>A on the coding strand, the complement: SCAF4 is on the minus strand). VCF-style: chr21-31693307-C-T. GRCh37 (hg19) VCF-style: chr21-33065620-C-T.
Other names: c.1455G>A, p.Pro485= (NM_001145444.1); c.1500G>A, p.Pro500= (NM_001145445.1).
Identifiers: ClinVar variation 4986700 (VCV004986700.1).

ClinVar aggregate classification (germline): Likely benign (1 of 4 stars; one submission).

Conditions:
SCAF4-related disorder. Also called: SCAF4-related condition.

Submission:

PreventionGenetics, part of Exact Sciences
Classification: Likely benign for SCAF4-related condition. Last evaluated: 2026-02-19. Review status: criteria provided, single submitter. Criteria: ACMG Guidelines, 2015. Collection method: clinical testing. Allele origin: germline.
Comment: This variant is classified as likely benign based on ACMG/AMP sequence variant interpretation guidelines (Richards et al. 2015 PMID: 25741868, with internal and published modifications).